The following is an entry in ClinVar:

ClinVar aggregate classification (germline): Uncertain significance (1 of 4 stars; one submission).

Allele frequency attached by ClinVar (database versions not stated): TOPMed 0.00001; gnomAD exomes 0.00002 and 0.00003; ExAC 0.00005.
gnomAD v4.1: 17 of 1,614,066 alleles (0.0011%); highest among the groups gnomAD compares: Non-Finnish European, 0.00093%; no homozygotes.

Submission:

Labcorp Genetics (formerly Invitae), Labcorp
Classification: Uncertain significance. Last evaluated: 2023-11-28. Review status: criteria provided, single submitter. Criteria: Invitae Variant Classification Sherloc (09022015). Collection method: clinical testing. Allele origin: germline.
Comment: This sequence change replaces isoleucine, which is neutral and non-polar, with threonine, which is neutral and polar, at codon 120 of the C1QA protein (p.Ile120Thr). This variant is present in population databases (rs757548258, gnomAD 0.005%). This variant has not been reported in the literature in individuals affected with C1QA-related conditions. ClinVar contains an entry for this variant (Variation ID: 1373778). An algorithm developed to predict the effect of missense changes on protein structure and function (PolyPhen-2) suggests that this variant is likely to be tolerated. In summary, the available evidence is currently insufficient to determine the role of this variant in disease. Therefore, it has been classified as a Variant of Uncertain Significance.

NM_015991.4(C1QA):c.359T>C (p.Ile120Thr)

Gene: C1QA (complement C1q A chain; plus strand). Cytogenetic location: 1p36.12.
Variant type: single nucleotide variant.
Coding change: c.359T>C on transcript NM_015991.4 (MANE Select); coding-DNA position 359, T replaced by C.
Protein change: p.Ile120Thr; replaces isoleucine 120 with threonine.
Molecular consequence: missense variant.
Genome position (GRCh38, 1-based): chr1:22,639,028, T>C. VCF-style: chr1-22639028-T-C. GRCh37 (hg19) VCF-style: chr1-22965521-T-C.
Other names: c.359T>C, p.Ile120Thr (NM_001347465.2, NM_001347466.2); short protein forms I120T.
Identifiers: ClinVar variation 1373778 (VCV001373778.6), dbSNP rs757548258, ClinGen allele CA677769.